The following is an entry in ClinVar:

ClinVar aggregate classification (germline): Likely benign (1 of 4 stars; one submission).

Submission:

GeneDx
Classification: Likely benign. Last evaluated: 2016-05-17. Review status: criteria provided, single submitter. Criteria: GeneDx Variant Classification (06012015). Collection method: clinical testing. Allele origin: germline. Affected: yes.
Comment: This variant is considered likely benign or benign based on one or more of the following criteria: it is a conservative change, it occurs at a poorly conserved position in the protein, it is predicted to be benign by multiple in silico algorithms, and/or has population frequency not consistent with disease.

NM_182961.4(SYNE1):c.67+17del

Gene: SYNE1 (spectrin repeat containing nuclear envelope protein 1; minus strand). Cytogenetic location: 6q25.2.
Variant type: Deletion.
Coding change: c.67+17del on transcript NM_182961.4 (MANE Select); 17 bases into the intron after coding-DNA position 67, one base deleted (T; older notation c.67+17delT).
Molecular consequence: intron variant.
Genome position (GRCh38, 1-based): chr6:152,628,248, A deleted on the plus strand (T on the coding strand, the reverse complement: SYNE1 is on the minus strand); the first of 3 consecutive A bases (chr6:152,628,248-152,628,250); deleting any one gives the same sequence. VCF-style (leftmost placement, unchanged base first): chr6-152628247-GA-G. GRCh37 (hg19) VCF-style: chr6-152949382-GA-G.
Other names: c.67+17delT (NM_033071.3); c.67+17del (NM_033071.5).
Identifiers: ClinVar variation 421046 (VCV000421046.1), dbSNP rs1064794872, ClinGen allele CA16618259.